The following is an entry in ClinVar:

ClinVar aggregate classification (germline): Uncertain significance. Review status: criteria provided, multiple submitters, no conflicts (2 of 4 stars). 2 submissions from 2 submitters: Uncertain significance (2). Last evaluated 2021-12-27.

Conditions:
Focal segmental glomerulosclerosis 5 (FSGS5). Identifiers: Orphanet 656, MedGen C2750475, MONDO:0013191, OMIM 613237.
Charcot-Marie-Tooth disease dominant intermediate E. Also called: CHARCOT-MARIE-TOOTH NEUROPATHY WITH FOCAL SEGMENTAL GLOMERULONEPHRITIS. Identifiers: Orphanet 93114, MedGen C4302667, MONDO:0013758, OMIM 614455.

Allele frequency attached by ClinVar (database versions not stated): gnomAD exomes below 0.00001 and 0.00001.
gnomAD v4.1: 3 of 1,035,094 alleles (0.00029%); highest among the groups gnomAD compares: Non-Finnish European, 0.00039%; no homozygotes.

Submissions (2):

Fulgent Genetics
Classification: Uncertain significance for Focal segmental glomerulosclerosis 5; Charcot-Marie-Tooth disease dominant intermediate E. Last evaluated: 2021-12-27. Review status: criteria provided, single submitter. Criteria: ACMG Guidelines, 2015. Collection method: clinical testing. Allele origin: unknown.

Labcorp Genetics (formerly Invitae), Labcorp
Classification: Uncertain significance for Charcot-Marie-Tooth disease dominant intermediate E; Focal segmental glomerulosclerosis 5. Last evaluated: 2019-02-01. Review status: criteria provided, single submitter. Criteria: Invitae Variant Classification Sherloc (09022015). Collection method: clinical testing. Allele origin: germline.
Comment: In summary, the available evidence is currently insufficient to determine the role of this variant in disease. Therefore, it has been classified as a Variant of Uncertain Significance. Algorithms developed to predict the effect of missense changes on protein structure and function are either unavailable or do not agree on the potential impact of this missense change (SIFT: "Tolerated"; PolyPhen-2: "Not Available"; Align-GVGD: "Class C0"). This variant has not been reported in the literature in individuals with INF2-related conditions. The frequency data for this variant in the population databases is considered unreliable, as metrics indicate insufficient coverage at this position in the ExAC database. This sequence change replaces serine with alanine at codon 483 of the INF2 protein (p.Ser483Ala). The serine residue is weakly conserved and there is a moderate physicochemical difference between serine and alanine.

NM_022489.4(INF2):c.1447T>G (p.Ser483Ala)

Gene: INF2 (inverted formin 2; plus strand). Cytogenetic location: 14q32.33.
Variant type: single nucleotide variant.
Coding change: c.1447T>G on transcript NM_022489.4 (MANE Select); coding-DNA position 1447, T replaced by G.
Protein change: p.Ser483Ala; replaces serine 483 with alanine.
Molecular consequence: missense variant.
Genome position (GRCh38, 1-based): chr14:104,707,714, T>G. VCF-style: chr14-104707714-T-G. GRCh37 (hg19) VCF-style: chr14-105174051-T-G.
Other names: c.1447T>G, p.Ser483Ala (NM_001031714.4); short protein forms S483A.
Identifiers: ClinVar variation 845044 (VCV000845044.10), dbSNP rs1218562289, ClinGen allele CA391217054.